The following is an entry in ClinVar:

NM_000254.3(MTR):c.3774C>T (p.Pro1258=)

Gene: MTR (5-methyltetrahydrofolate-homocysteine methyltransferase; plus strand). Cytogenetic location: 1q43.
Variant type: single nucleotide variant.
Coding change: c.3774C>T on transcript NM_000254.3 (MANE Select); coding-DNA position 3774, C replaced by T.
Protein change: p.Pro1258=; no amino-acid change (proline 1258 retained).
Molecular consequence: synonymous variant.
Genome position (GRCh38, 1-based): chr1:236,897,620, C>T. VCF-style: chr1-236897620-C-T. GRCh37 (hg19) VCF-style: chr1-237060920-C-T.
Other names: c.3621C>T, p.Pro1207= (NM_001291939.1); c.2553C>T, p.Pro851= (NM_001291940.2).
Identifiers: ClinVar variation 1597306 (VCV001597306.34), dbSNP rs76418646, ClinGen allele CA1474792.

ClinVar aggregate classification (germline): Benign/Likely benign. Review status: criteria provided, multiple submitters, no conflicts (2 of 4 stars). 4 submissions from 4 submitters: Benign (2); Likely benign (2). Last evaluated 2025-10-25.

Conditions:
Methylcobalamin deficiency type cblG (HMAG). Also called: HOMOCYSTINURIA-MEGALOBLASTIC ANEMIA, cblG COMPLEMENTATION TYPE; HOMOCYSTINURIA-MEGALOBLASTIC ANEMIA, cblG TYPE; HOMOCYSTINURIA-MEGALOBLASTIC ANEMIA DUE TO DEFECT IN COBALAMIN METABOLISM, cblG COMPLEMENTATION TYPE; Functional methionine synthase deficiency type cblG. Identifiers: Orphanet 2170, Orphanet 622, MedGen C1855128, MONDO:0009609, OMIM 250940.

Allele frequency attached by ClinVar (database versions not stated): gnomAD exomes 0.00009 and 0.00020; ExAC 0.00021; 1000 Genomes Project 0.00060; gnomAD 0.00071 and 0.00075; ESP Exome Variant Server 0.00077; TOPMed 0.00083; 1000 Genomes Project 30x 0.00094.
gnomAD v4.1: 250 of 1,612,630 alleles (0.016%); highest among the groups gnomAD compares: African/African-American, 0.25%; no homozygotes.

Submissions (4):

Labcorp Genetics (formerly Invitae), Labcorp
Classification: Benign for Methylcobalamin deficiency type cblG. Last evaluated: 2025-10-25. Review status: criteria provided, single submitter. Criteria: Invitae Variant Classification Sherloc (09022015). Collection method: clinical testing. Allele origin: germline.

Blueprint Genetics
Classification: Likely benign. Last evaluated: 2024-11-25. Review status: criteria provided, single submitter. Criteria: ACMG Guidelines, 2015. Collection method: clinical testing. Allele origin: germline.

CeGaT Center for Human Genetics Tuebingen
Classification: Likely benign. Last evaluated: 2022-10-01. Review status: criteria provided, single submitter. Criteria: CeGaT Center For Human Genetics Tuebingen Variant Classification Criteria Version 2. Collection method: clinical testing. Allele origin: germline. Affected: yes. Observed: 1 variant allele.
Comment: MTR: BP4, BP7

Breakthrough Genomics
Classification: Benign. Review status: criteria provided, single submitter. Criteria: ACMG Guidelines, 2015. Collection method: not provided. Allele origin: germline. Inheritance: Autosomal recessive inheritance. Affected: yes.